The following is an entry in ClinVar:

NM_022489.4(INF2):c.1585C>A (p.Pro529Thr)

Gene: INF2 (inverted formin 2; plus strand). Cytogenetic location: 14q32.33.
Variant type: single nucleotide variant.
Coding change: c.1585C>A on transcript NM_022489.4 (MANE Select); coding-DNA position 1585, C replaced by A.
Protein change: p.Pro529Thr; replaces proline 529 with threonine.
Molecular consequence: missense variant.
Genome position (GRCh38, 1-based): chr14:104,707,852, C>A. VCF-style: chr14-104707852-C-A. GRCh37 (hg19) VCF-style: chr14-105174189-C-A.
Other names: c.1585C>A, p.Pro529Thr (NM_001031714.4); short protein forms P529T.
Identifiers: ClinVar variation 1499996 (VCV001499996.9), dbSNP rs1052608799, ClinGen allele CA267323479.

ClinVar aggregate classification (germline): Uncertain significance. Review status: criteria provided, multiple submitters, no conflicts (2 of 4 stars). 2 submissions from 2 submitters: Uncertain significance (2). Last evaluated 2024-04-30.

Conditions:
Focal segmental glomerulosclerosis 5 (FSGS5). Identifiers: Orphanet 656, MedGen C2750475, MONDO:0013191, OMIM 613237.
Charcot-Marie-Tooth disease dominant intermediate E. Also called: CHARCOT-MARIE-TOOTH NEUROPATHY WITH FOCAL SEGMENTAL GLOMERULONEPHRITIS. Identifiers: Orphanet 93114, MedGen C4302667, MONDO:0013758, OMIM 614455.

Allele frequency attached by ClinVar (database versions not stated): gnomAD exomes below 0.00001; TOPMed 0.00001.
gnomAD v4.1: 1 of 1,605,634 alleles (0.000062%); highest among the groups gnomAD compares: Non-Finnish European, 0.000085%; no homozygotes.

Submissions (2):

Fulgent Genetics
Classification: Uncertain significance for Focal segmental glomerulosclerosis 5; Charcot-Marie-Tooth disease dominant intermediate E. Last evaluated: 2024-04-30. Review status: criteria provided, single submitter. Criteria: ACMG Guidelines, 2015. Collection method: clinical testing. Allele origin: germline.

Labcorp Genetics (formerly Invitae), Labcorp
Classification: Uncertain significance for Charcot-Marie-Tooth disease dominant intermediate E; Focal segmental glomerulosclerosis 5. Last evaluated: 2024-04-05. Review status: criteria provided, single submitter. Criteria: Invitae Variant Classification Sherloc (09022015). Collection method: clinical testing. Allele origin: germline.
Comment: This sequence change replaces proline, which is neutral and non-polar, with threonine, which is neutral and polar, at codon 529 of the INF2 protein (p.Pro529Thr). This variant is not present in population databases (gnomAD no frequency). This missense change has been observed in individual(s) with Charcot-Marie-Tooth disease (Invitae). ClinVar contains an entry for this variant (Variation ID: 1499996). Advanced modeling of protein sequence and biophysical properties (such as structural, functional, and spatial information, amino acid conservation, physicochemical variation, residue mobility, and thermodynamic stability) performed at Invitae indicates that this missense variant is not expected to disrupt INF2 protein function with a negative predictive value of 95%. In summary, the available evidence is currently insufficient to determine the role of this variant in disease. Therefore, it has been classified as a Variant of Uncertain Significance.